The following is an entry in ClinVar:

NM_001035.3(RYR2):c.11092-11del

Gene: RYR2 (ryanodine receptor 2; plus strand). Cytogenetic location: 1q43.
Variant type: Deletion.
Coding change: c.11092-11del on transcript NM_001035.3 (MANE Select); 11 bases into the intron before coding-DNA position 11092, one base deleted (T; older notation c.11092-11delT).
Molecular consequence: intron variant.
Genome position (GRCh38, 1-based): chr1:237,742,285, T deleted; the last of 15 consecutive T bases (chr1:237,742,271-237,742,285); deleting any one gives the same sequence. VCF-style (leftmost placement, unchanged base first): chr1-237742270-CT-C. GRCh37 (hg19) VCF-style: chr1-237905570-CT-C.
Other names: c.11092-11delT (NM_001035.2); c.11092-11del (LRG_402t1, NM_001035.2).
Identifiers: ClinVar variation 43703 (VCV000043703.8), dbSNP rs397516499, ClinGen allele CA006861.

ClinVar aggregate classification (germline): Benign/Likely benign. Review status: criteria provided, multiple submitters, no conflicts (2 of 4 stars). 3 submissions from 3 submitters: Benign (2); Likely benign (1). Last evaluated 2026-09-21.

Submissions (3):

Molecular Diagnostic Laboratory for Inherited Cardiovascular Disease, Montreal Heart Institute
Classification: Benign. Last evaluated: 2026-09-21. Review status: criteria provided, single submitter. Criteria: ACMG Guidelines, 2015. Collection method: clinical testing. Allele origin: germline. Affected: no.
Comment: BA1

GeneDx
Classification: Benign. Last evaluated: 2020-07-15. Review status: criteria provided, single submitter. Criteria: GeneDx Variant Classification Process June 2021. Collection method: clinical testing. Allele origin: germline. Affected: yes.

Laboratory for Molecular Medicine, Mass General Brigham Personalized Medicine
Classification: Likely benign. Last evaluated: 2011-10-21. Review status: criteria provided, single submitter. Criteria: LMM Criteria. Collection method: clinical testing. Allele origin: germline. Observed: 1 variant allele.
Comment: 11092-11delT in intron 79 of RYR2: This variant is not expected to have clinical significance because it is located outside the conserved +/- 1, 2 region of the splicing consensus sequence and as part of a polyT stretch.